The following is an entry in ClinVar:

ClinVar aggregate classification (germline): Uncertain significance (1 of 4 stars; one submission).

Conditions:
Wilson disease (WND). Also called: Wilson's disease. Identifiers: Orphanet 905, MedGen C0019202, MONDO:0010200, OMIM 277900. Disease mechanism: loss of function.

gnomAD v4.1: 1 of 1,612,520 alleles (0.000062%); no homozygotes.

Submission:

Labcorp Genetics (formerly Invitae), Labcorp
Classification: Uncertain significance for Wilson disease. Last evaluated: 2022-05-30. Review status: criteria provided, single submitter. Criteria: Invitae Variant Classification Sherloc (09022015). Collection method: clinical testing. Allele origin: germline.
Comment: This sequence change falls in intron 20 of the ATP7B gene. It does not directly change the encoded amino acid sequence of the ATP7B protein. It affects a nucleotide within the consensus splice site. This variant is not present in population databases (gnomAD no frequency). This variant has not been reported in the literature in individuals affected with ATP7B-related conditions. ClinVar contains an entry for this variant (Variation ID: 1450699). Variants that disrupt the consensus splice site are a relatively common cause of aberrant splicing (PMID: 17576681, 9536098). Algorithms developed to predict the effect of sequence changes on RNA splicing suggest that this variant is not likely to affect RNA splicing. In summary, the available evidence is currently insufficient to determine the role of this variant in disease. Therefore, it has been classified as a Variant of Uncertain Significance.

Literature cited by the submitters: PubMed 17576681; PubMed 9536098.

NM_000053.4(ATP7B):c.4124+6T>C

Gene: ATP7B (ATPase copper transporting beta; minus strand). Cytogenetic location: 13q14.3.
Variant type: single nucleotide variant.
Coding change: c.4124+6T>C on transcript NM_000053.4 (MANE Select); 6 bases into the intron after coding-DNA position 4124, T replaced by C.
Molecular consequence: intron variant.
Genome position (GRCh38, 1-based): chr13:51,935,587, A>G on the plus strand (T>C on the coding strand, the complement: ATP7B is on the minus strand). VCF-style: chr13-51935587-A-G. GRCh37 (hg19) VCF-style: chr13-52509723-A-G.
Other names: c.3791+6T>C (NM_001243182.2); c.3503+6T>C (NM_001005918.3); c.3872+6T>C (NM_001330579.2); c.3890+6T>C (NM_001330578.2).
Identifiers: ClinVar variation 1450699 (VCV001450699.6), dbSNP rs2138450581, ClinGen allele CA2573149687.